The following is an entry in ClinVar:

ClinVar aggregate classification (germline): Conflicting classifications of pathogenicity. Review status: criteria provided, conflicting classifications (1 of 4 stars). 9 submissions from 9 submitters: Uncertain significance (1); Benign (1); Likely benign (6). 1 of the submissions does not count toward it. Last evaluated 2026-02-01.

Conditions:
ERCC4-related disorder. Also called: ERCC4-related condition.
Fanconi anemia complementation group Q. Identifiers: Orphanet 84, MedGen C3808988, MONDO:0014108, OMIM 615272.
Cockayne syndrome. Identifiers: Orphanet 191, MedGen C0009207, MONDO:0016006.
Xeroderma pigmentosum, group F (XPF). Also called: XERODERMA PIGMENTOSUM VI; XP, GROUP F; XERODERMA PIGMENTOSUM, COMPLEMENTATION GROUP F; ERCC4-Related Xeroderma Pigmentosum; XERODERMA PIGMENTOSUM, TYPE F; Xeroderma pigmentosum, type 6. Identifiers: MedGen C0268140, MONDO:0010215, OMIM 278760.
Xeroderma pigmentosum (XP). Identifiers: Orphanet 910, MedGen C0043346, MONDO:0019600.
Inborn genetic diseases. Identifiers: MedGen C0950123, MeSH D030342.

Allele frequency attached by ClinVar (database versions not stated): gnomAD exomes 0.00023 and 0.00043; ExAC 0.00053; 1000 Genomes Project 0.00080; 1000 Genomes Project 30x 0.00094; gnomAD 0.00194 and 0.00215; TOPMed 0.00232; ESP Exome Variant Server 0.00239.
gnomAD v4.1: 648 of 1,595,350 alleles (0.041%); highest among the groups gnomAD compares: African/African-American, 0.67%; 3 homozygotes.

Submissions (9):

Labcorp Genetics (formerly Invitae), Labcorp
Classification: Benign for Fanconi anemia complementation group Q; Xeroderma pigmentosum, group F; Cockayne syndrome. Last evaluated: 2026-02-01. Review status: criteria provided, single submitter. Criteria: Invitae Variant Classification Sherloc (09022015). Collection method: clinical testing. Allele origin: germline.

Blueprint Genetics
Classification: Likely benign. Last evaluated: 2024-11-13. Review status: criteria provided, single submitter. Criteria: ACMG Guidelines, 2015. Collection method: clinical testing. Allele origin: germline.

ARUP Laboratories, Molecular Genetics and Genomics, ARUP Laboratories
Classification: Likely benign. Last evaluated: 2024-03-25. Review status: criteria provided, single submitter. Criteria: ARUP Molecular Germline Variant Investigation Process 2024. Collection method: clinical testing. Allele origin: germline.

Ambry Genetics
Classification: Likely benign for Inborn genetic diseases. Last evaluated: 2021-08-27. Review status: criteria provided, single submitter. Criteria: Ambry Variant Classification Scheme 2023. Collection method: clinical testing. Allele origin: germline.

Sema4
Classification: Likely benign for Xeroderma pigmentosum. Last evaluated: 2021-02-19. Review status: criteria provided, single submitter. Criteria: Sema4 Curation Guidelines. Collection method: curation. Allele origin: germline.

Baylor Genetics
Classification: Uncertain significance for Fanconi anemia complementation group Q. Last evaluated: 2021-01-30. Review status: criteria provided, single submitter. Criteria: ACMG Guidelines, 2015. Collection method: clinical testing. Allele origin: unknown. Affected: yes. Study: CSER-TexasKidsCanSeq.
Comment: This variant was determined to be of uncertain significance according to ACMG Guidelines, 2015 [PMID:25741868].

Mendelics
Classification: Likely benign for Xeroderma pigmentosum, group F. Last evaluated: 2019-05-28. Review status: criteria provided, single submitter. Criteria: Mendelics Assertion Criteria 2017. Collection method: clinical testing. Allele origin: unknown.

Illumina Laboratory Services, Illumina
Classification: Likely benign for Xeroderma pigmentosum, group F. Last evaluated: 2018-01-13. Review status: criteria provided, single submitter. Criteria: ICSL Variant Classification Criteria 13 December 2019. Collection method: clinical testing. Allele origin: germline.
Comment: This variant was observed in the ICSL laboratory as part of a predisposition screen in an ostensibly healthy population. It had not been previously curated by ICSL or reported in the Human Gene Mutation Database (HGMD: prior to June 1st, 2018), and was therefore a candidate for classification through an automated scoring system. Utilizing variant allele frequency, disease prevalence and penetrance estimates, and inheritance mode, an automated score was calculated to assess if this variant is too frequent to cause the disease. Based on the score and internal cut-off values, a variant classified as likely benign is not then subjected to further curation. The score for this variant resulted in a classification of likely benign for this disease.

PreventionGenetics, part of Exact Sciences
Classification: Benign for ERCC4-related condition. Last evaluated: 2019-10-09. Review status: no assertion criteria provided. Collection method: clinical testing. Allele origin: germline. Not counted in ClinVar's aggregate classification.
Comment: This variant is classified as benign based on ACMG/AMP sequence variant interpretation guidelines (Richards et al. 2015 PMID: 25741868, with internal and published modifications).

NM_005236.3(ERCC4):c.1812-5T>C

Gene: ERCC4 (ERCC excision repair 4, endonuclease catalytic subunit; plus strand). Cytogenetic location: 16p13.12.
Variant type: single nucleotide variant.
Coding change: c.1812-5T>C on transcript NM_005236.3 (MANE Select); 5 bases into the intron before coding-DNA position 1812, T replaced by C.
Molecular consequence: intron variant.
Genome position (GRCh38, 1-based): chr16:13,937,761, T>C. VCF-style: chr16-13937761-T-C. GRCh37 (hg19) VCF-style: chr16-14031618-T-C.
Identifiers: ClinVar variation 541252 (VCV000541252.23), dbSNP rs2020952, ClinGen allele CA7910562.